The following is an entry in ClinVar:

NM_004698.4(PRPF3):c.976A>G (p.Thr326Ala)

Gene: PRPF3 (pre-mRNA processing factor 3; plus strand). Cytogenetic location: 1q21.2.
Variant type: single nucleotide variant.
Coding change: c.976A>G on transcript NM_004698.4 (MANE Select); coding-DNA position 976, A replaced by G.
Protein change: p.Thr326Ala; replaces threonine 326 with alanine.
Molecular consequence: missense variant. On other transcripts: non-coding transcript variant (4).
Genome position (GRCh38, 1-based): chr1:150,335,182, A>G. VCF-style: chr1-150335182-A-G. GRCh37 (hg19) VCF-style: chr1-150307653-A-G.
Other names: c.571A>G, p.Thr191Ala (NM_001350529.1); short protein forms T191A, T326A.
Identifiers: ClinVar variation 876146 (VCV000876146.12), dbSNP rs782792715, ClinGen allele CA1075519.

ClinVar aggregate classification (germline): Likely benign. Review status: criteria provided, multiple submitters, no conflicts (2 of 4 stars). 2 submissions from 2 submitters: Likely benign (2). Last evaluated 2025-07-29.

Conditions:
Retinitis pigmentosa (RP). Identifiers: Orphanet 791, MedGen C0035334, MeSH D012174, MONDO:0019200, OMIM 268000. Inheritance: Autosomal dominant, autosomal recessive and X linked inheritance.

Allele frequency attached by ClinVar (database versions not stated): TOPMed 0.00005; gnomAD exomes 0.00010; ExAC 0.00011.
gnomAD v4.1: 21 of 1,614,030 alleles (0.0013%); highest among the groups gnomAD compares: East Asian, 0.045%; no homozygotes.

Submissions (2):

Labcorp Genetics (formerly Invitae), Labcorp
Classification: Likely benign. Last evaluated: 2025-07-29. Review status: criteria provided, single submitter. Criteria: Invitae Variant Classification Sherloc (09022015). Collection method: clinical testing. Allele origin: germline.

Illumina Laboratory Services, Illumina
Classification: Likely benign for Retinitis pigmentosa. Last evaluated: 2018-01-13. Review status: criteria provided, single submitter. Criteria: ICSL Variant Classification Criteria 13 December 2019. Collection method: clinical testing. Allele origin: germline.
Comment: This variant was observed in the ICSL laboratory as part of a predisposition screen in an ostensibly healthy population. It had not been previously curated by ICSL or reported in the Human Gene Mutation Database (HGMD: prior to June 1st, 2018), and was therefore a candidate for classification through an automated scoring system. Utilizing variant allele frequency, disease prevalence and penetrance estimates, and inheritance mode, an automated score was calculated to assess if this variant is too frequent to cause the disease. Based on the score and internal cut-off values, a variant classified as likely benign is not then subjected to further curation. The score for this variant resulted in a classification of likely benign for this disease.